The following is an entry in ClinVar:

NM_024422.6(DSC2):c.1971C>A (p.Gly657=)

Gene: DSC2 (desmocollin 2; minus strand). Cytogenetic location: 18q12.1.
Variant type: single nucleotide variant.
Coding change: c.1971C>A on transcript NM_024422.6 (MANE Select); coding-DNA position 1971, C replaced by A.
Protein change: p.Gly657=; no amino-acid change (glycine 657 retained).
Molecular consequence: synonymous variant.
Genome position (GRCh38, 1-based): chr18:31,071,759, G>T on the plus strand (C>A on the coding strand, the complement: DSC2 is on the minus strand). VCF-style: chr18-31071759-G-T. GRCh37 (hg19) VCF-style: chr18-28651725-G-T.
Other names: c.1971C>A, p.Gly657= (NM_004949.5).
Identifiers: ClinVar variation 46175 (VCV000046175.30), dbSNP rs397517396, ClinGen allele CA022596.
Genomic context (GRCh38, chr18:31,071,759, plus strand): 5'-GCAGTCATTTTCGGTAATGCAGTCACACAGTGTAACATCCAATGAAGTGACACTAGACAT[G>T]CCAAGTCTATCTCTCACTGTTATAGGTACTACATATGAGCCAAATGGAGGATCATTCTGA-3'
Protein context (NP_077740.1, residues 647-667): VVPITVRDRL[Gly657=]MSSVTSLDVT

ClinVar aggregate classification (germline): Conflicting classifications of pathogenicity. Review status: criteria provided, conflicting classifications (1 of 4 stars). 9 submissions from 9 submitters: Uncertain significance (1); Benign (2); Likely benign (6). Last evaluated 2025-12-23.

Conditions:
Cardiovascular phenotype. Identifiers: MedGen CN230736.
Familial isolated arrhythmogenic right ventricular dysplasia. Identifiers: Orphanet 217656, MedGen C4274968, MONDO:0016342.
Cardiomyopathy (CMYO). Also called: Cardiomyopathies. Identifiers: Orphanet 167848, MedGen C0878544, MONDO:0004994, HP:0001638. Inheritance: Various modes of inheritance.
Arrhythmogenic right ventricular dysplasia 11. Also called: Arrhythmogenic Right Ventricular Dysplasia/Cardiomyopathy11; ARRHYTHMOGENIC RIGHT VENTRICULAR DYSPLASIA, FAMILIAL, 11; Arrhythmogenic right ventricular dysplasia 11 with mild palmoplantar keratoderma and woolly hair. Identifiers: MedGen C1864850, MONDO:0012506, OMIM 610476.

Allele frequency attached by ClinVar (database versions not stated): gnomAD 0.00001; TOPMed 0.00003; gnomAD exomes 0.00004 and 0.00007; ExAC 0.00005.
gnomAD v4.1: 54 of 1,613,718 alleles (0.0033%); highest among the groups gnomAD compares: East Asian, 0.12%; no homozygotes.

Submissions (9):

Labcorp Genetics (formerly Invitae), Labcorp
Classification: Benign for Arrhythmogenic right ventricular dysplasia 11. Last evaluated: 2025-12-23. Review status: criteria provided, single submitter. Criteria: Invitae Variant Classification Sherloc (09022015). Collection method: clinical testing. Allele origin: germline.

All of Us Research Program, National Institutes of Health
Classification: Likely benign for Familial isolated arrhythmogenic right ventricular dysplasia. Last evaluated: 2023-12-13. Review status: criteria provided, single submitter. Criteria: ACMG Guidelines, 2015. Collection method: clinical testing. Allele origin: germline. Inheritance: Autosomal dominant inheritance. Observed: 4 variant alleles, 4 heterozygotes.
Comment: This study involves interpretation of variants in research participants for the purpose of population health screening. Participant phenotype was not available at the time of variant classification. Additional details can be found in publication PMID: 35346344, PMCID: PMC8962531

Ambry Genetics
Classification: Likely benign for Cardiovascular phenotype. Last evaluated: 2022-12-23. Review status: criteria provided, single submitter. Criteria: Ambry Variant Classification Scheme 2023. Collection method: clinical testing. Allele origin: germline.

Blueprint Genetics
Classification: Likely benign. Last evaluated: 2019-03-06. Review status: criteria provided, single submitter. Criteria: ACMG Guidelines, 2015. Collection method: clinical testing. Allele origin: germline.

Women's Health and Genetics/Laboratory Corporation of America, LabCorp
Classification: Benign. Last evaluated: 2018-12-26. Review status: criteria provided, single submitter. Criteria: LabCorp Variant Classification Summary - May 2015. Collection method: clinical testing. Allele origin: germline.
Comment: Variant summary: DSC2 c.1971C>A alters a non-conserved nucleotide resulting in a synonymous change. 4/5 computational tools predict no significant impact on normal splicing. However, these predictions have yet to be confirmed by functional studies. The variant allele was found at a frequency of 6.9e-05 in 245192 control chromosomes, predominantly within the East Asian subpopulation at a frequency of 0.001 in the gnomAD database. The observed variant frequency within East Asian control individuals in the gnomAD database is approximately 100-fold of the estimated maximal expected allele frequency for a pathogenic variant in DSC2 causing Arrhythmia phenotype (1e-05), strongly suggesting that the variant is a benign polymorphism found primarily in populations of East Asian origin. To our knowledge, no occurrence of c.1971C>A in individuals affected with Arrhythmia and no experimental evidence demonstrating its impact on protein function have been reported. No clinical diagnostic laboratories have submitted clinical-significance assessments for this variant to ClinVar after 2014. Based on the evidence outlined above, the variant was classified as benign.

Color Diagnostics, LLC DBA Color Health
Classification: Likely benign for Cardiomyopathy. Last evaluated: 2018-12-13. Review status: criteria provided, single submitter. Criteria: ACMG Guidelines, 2015. Collection method: clinical testing. Allele origin: germline.

GeneDx
Classification: Likely benign. Last evaluated: 2018-09-14. Review status: criteria provided, single submitter. Criteria: GeneDx Variant Classification Process June 2021. Collection method: clinical testing. Allele origin: germline. Affected: yes.

Illumina Laboratory Services, Illumina
Classification: Uncertain significance for Arrhythmogenic right ventricular dysplasia 11. Last evaluated: 2018-01-13. Review status: criteria provided, single submitter. Criteria: ICSL Variant Classification Criteria 13 December 2019. Collection method: clinical testing. Allele origin: germline.

Laboratory for Molecular Medicine, Mass General Brigham Personalized Medicine
Classification: Likely benign. Last evaluated: 2012-08-22. Review status: criteria provided, single submitter. Criteria: LMM Criteria. Collection method: clinical testing. Allele origin: germline. Observed: 1 variant allele.
Comment: Gly657Gly in exon 13 of DSC2: This variant is not expected to have clinical sign ificance because it does not alter an amino acid residue and is not located with in the splice consensus sequence. Gly657Gly in exon 13 of DSC2 (allele frequenc y = n/a)